The following is an entry in ClinVar:

ClinVar aggregate classification (germline): Uncertain significance (0 of 4 stars; one submission).

Submission:

Department of Pathology and Laboratory Medicine, Sinai Health System
Classification: Uncertain significance. Review status: no assertion criteria provided. Collection method: clinical testing. Allele origin: unknown. Affected: yes. Study: The Canadian Open Genetics Repository (COGR).
Comment: The MTHFS p.Val35Ala variant was not identified in the literature nor was it identified in dbSNP, ClinVar, LOVD 3.0 or in the following control databases: the 1000 Genomes Project, the NHLBI GO Exome Sequencing Project, the Exome Aggregation Consortium (August 8th 2016), or the Genome Aggregation Database (Feb 27, 2017). The p.Val35 residue is not conserved in mammals and computational analyses (PolyPhen-2, SIFT, AlignGVGD, BLOSUM, MutationTaster) do not suggest a high likelihood of impact to the protein; however, this information is not predictive enough to rule out pathogenicity. The variant occurs outside of the splicing consensus sequence and three of four in silico or computational prediction software programs (SpliceSiteFinder, MaxEntScan, NNSPLICE, GeneSplicer) do not predict a difference in splicing. In summary, based on the above information the clinical significance of this variant cannot be determined with certainty at this time. This variant is classified as a variant of uncertain significance.

NM_006441.4(MTHFS):c.104T>C (p.Val35Ala)

Genes: MTHFS (methenyltetrahydrofolate synthetase; minus strand), ST20-MTHFS (ST20-MTHFS readthrough; minus strand). Cytogenetic location: 15q25.1.
Variant type: single nucleotide variant.
Coding change: c.104T>C on transcript NM_006441.4 (MANE Select); coding-DNA position 104, T replaced by C.
Protein change: p.Val35Ala; replaces valine 35 with alanine.
Molecular consequence: missense variant. On other transcripts: non-coding transcript variant (1), intron variant (2).
Genome position (GRCh38, 1-based): chr15:79,896,885, A>G on the plus strand (T>C on the coding strand, the complement: MTHFS is on the minus strand). VCF-style: chr15-79896885-A-G. GRCh37 (hg19) VCF-style: chr15-80189227-A-G.
Other names: c.46-7531T>C (NM_001199760.2); c.-55+276T>C (NM_001199758.1); short protein forms V35A.
Identifiers: ClinVar variation 1050731 (VCV001050731.1), dbSNP rs2141385090, ClinGen allele CA393610334.
Genomic context (GRCh38, chr15:79,896,885, plus strand): 5'-TTCGGAGGGTCTGTCCGCCGCGGCTTCCGCTACGGGCGGCCTCGCACCTTCTGGCTCAGT[A>G]CGCGGGACTGGCGTAGCCGCTCCTCGGCACTCATCGCCCGCAGACGCTGCTTCAGCTCTC-3'
Protein context (NP_006432.1, residues 25-45): SAEERLRQSR[Val35Ala]LSQKVIAHSE